The following is an entry in ClinVar:

NM_001036.6(RYR3):c.5861C>T (p.Thr1954Ile)

Gene: RYR3 (ryanodine receptor 3; plus strand). Cytogenetic location: 15q14.
Variant type: single nucleotide variant.
Coding change: c.5861C>T on transcript NM_001036.6 (MANE Select); coding-DNA position 5861, C replaced by T.
Protein change: p.Thr1954Ile; replaces threonine 1954 with isoleucine.
Molecular consequence: missense variant.
Genome position (GRCh38, 1-based): chr15:33,696,218, C>T. VCF-style: chr15-33696218-C-T. GRCh37 (hg19) VCF-style: chr15-33988419-C-T.
Other names: c.5861C>T, p.Thr1954Ile (NM_001243996.4); short protein forms T1954I.
Identifiers: ClinVar variation 1362174 (VCV001362174.8), dbSNP rs370732432, ClinGen allele CA7459392.
Genomic context (GRCh38, chr15:33,696,218, plus strand): 5'-CACCCAGCTCTCCCTGAGCCATGACAGCCACAGTCCTGCTCCCTCCTGTTGTCCTTCCAG[C>T]AACATTGAAGGAACTCATCTCACAGACGATGATCTGCTGGGCCCAGGAGGACCAGATCCA-3'
Protein context (NP_001027.3, residues 1944-1964): QPTEEEERCP[Thr1954Ile]TLKELISQTM

ClinVar aggregate classification (germline): Uncertain significance (1 of 4 stars; one submission).

Conditions:
Epileptic encephalopathy. Identifiers: MedGen C0543888, HP:0200134.

gnomAD v4.1: 5 of 1,611,956 alleles (0.00031%); highest among the groups gnomAD compares: Admixed American, 0.0033%; no homozygotes.

Submission:

Labcorp Genetics (formerly Invitae), Labcorp
Classification: Uncertain significance for Epileptic encephalopathy. Last evaluated: 2020-12-18. Review status: criteria provided, single submitter. Criteria: Invitae Variant Classification Sherloc (09022015). Collection method: clinical testing. Allele origin: germline.
Comment: This sequence change replaces threonine with isoleucine at codon 1954 of the RYR3 protein (p.Thr1954Ile). The threonine residue is highly conserved and there is a moderate physicochemical difference between threonine and isoleucine. This variant is present in population databases (rs370732432, ExAC 0.002%). This variant has not been reported in the literature in individuals with RYR3-related conditions. Algorithms developed to predict the effect of missense changes on protein structure and function are either unavailable or do not agree on the potential impact of this missense change (SIFT: "Deleterious"; PolyPhen-2: "Benign"; Align-GVGD: "Class C65"). In summary, the available evidence is currently insufficient to determine the role of this variant in disease. Therefore, it has been classified as a Variant of Uncertain Significance.